The following is an entry in ClinVar:

NM_006614.4(CHL1):c.1241T>C (p.Val414Ala)

Gene: CHL1 (cell adhesion molecule L1 like; plus strand). Cytogenetic location: 3p26.3.
Variant type: single nucleotide variant.
Coding change: c.1241T>C on transcript NM_006614.4 (MANE Select); coding-DNA position 1241, T replaced by C.
Protein change: p.Val414Ala; replaces valine 414 with alanine.
Molecular consequence: missense variant.
Genome position (GRCh38, 1-based): chr3:360,359, T>C. VCF-style: chr3-360359-T-C. GRCh37 (hg19) VCF-style: chr3-402042-T-C.
Other names: c.1193T>C, p.Val398Ala (NM_001253387.2); c.1241T>C, p.Val414Ala (NM_001253388.1); short protein forms V414A, V398A.
Identifiers: ClinVar variation 379251 (VCV000379251.3), dbSNP rs199822757, ClinGen allele CA2224650.
Genomic context (GRCh38, chr3:360,359, plus strand): 5'-GTGATGTTGTCTTCCCCAGGGAAATCAGTTTTACCAACCTTCAACCAAATCATACTGCTG[T>C]GTACCAGTGTGAAGCCTCAAATGTCCATGGAACTATCCTTGCCAATGCCAATATTGATGT-3'
Protein context (NP_006605.2, residues 404-424): FTNLQPNHTA[Val414Ala]YQCEASNVHG

ClinVar aggregate classification (germline): Likely benign. Review status: criteria provided, single submitter (1 of 4 stars). 2 submissions from 2 submitters: Likely benign (1). 1 of the submissions does not count toward it. Last evaluated 2015-03-23.

Conditions:
CHL1-related disorder. Also called: CHL1-related condition.

Allele frequency attached by ClinVar (database versions not stated): gnomAD 0.00001 and 0.00064; TOPMed 0.00008; gnomAD exomes 0.00102 and 0.00211; ExAC 0.00229; 1000 Genomes Project 30x 0.00406; 1000 Genomes Project 0.00419.
gnomAD v4.1: 1,585 of 1,613,580 alleles (0.098%); highest among the groups gnomAD compares: South Asian, 1.7%; 29 homozygotes.

Submissions (2):

GeneDx
Classification: Likely benign. Last evaluated: 2015-03-23. Review status: criteria provided, single submitter. Criteria: GeneDx Variant Classification (06012015). Collection method: clinical testing. Allele origin: germline. Affected: yes.
Comment: This variant is considered likely benign or benign based on one or more of the following criteria: it is a conservative change, it occurs at a poorly conserved position in the protein, it is predicted to be benign by multiple in silico algorithms, and/or has population frequency not consistent with disease.

PreventionGenetics, part of Exact Sciences
Classification: Likely benign for CHL1-related condition. Last evaluated: 2021-01-20. Review status: no assertion criteria provided. Collection method: clinical testing. Allele origin: germline. Not counted in ClinVar's aggregate classification.
Comment: This variant is classified as likely benign based on ACMG/AMP sequence variant interpretation guidelines (Richards et al. 2015 PMID: 25741868, with internal and published modifications).